The following is an entry in ClinVar:

ClinVar aggregate classification (germline): Likely benign (1 of 4 stars; one submission).

Allele frequency attached by ClinVar (database versions not stated): gnomAD exomes 0.00003; ExAC 0.00004; gnomAD 0.00004; TOPMed 0.00005; ESP Exome Variant Server 0.00008.
gnomAD v4.1: 45 of 1,609,204 alleles (0.0028%); highest among the groups gnomAD compares: African/African-American, 0.0067%; no homozygotes.

Submission:

CeGaT Center for Human Genetics Tuebingen
Classification: Likely benign. Last evaluated: 2024-02-01. Review status: criteria provided, single submitter. Criteria: CeGaT Center For Human Genetics Tuebingen Variant Classification Criteria Version 2. Collection method: clinical testing. Allele origin: germline. Affected: yes. Observed: 1 variant allele.
Comment: PER1: BP4, BP7

NM_002616.3(PER1):c.2472C>T (p.His824=)

Gene: PER1 (period circadian regulator 1; minus strand). Cytogenetic location: 17p13.1.
Variant type: single nucleotide variant.
Coding change: c.2472C>T on transcript NM_002616.3 (MANE Select); coding-DNA position 2472, C replaced by T.
Protein change: p.His824=; no amino-acid change (histidine 824 retained).
Molecular consequence: synonymous variant.
Genome position (GRCh38, 1-based): chr17:8,143,866, G>A on the plus strand (C>T on the coding strand, the complement: PER1 is on the minus strand). VCF-style: chr17-8143866-G-A. GRCh37 (hg19) VCF-style: chr17-8047184-G-A.
Identifiers: ClinVar variation 3025437 (VCV003025437.22), dbSNP rs142858768, ClinGen allele CA8369216.